The following is an entry in ClinVar:

ClinVar aggregate classification (germline): Uncertain significance. Review status: criteria provided, multiple submitters, no conflicts (2 of 4 stars). 2 submissions from 2 submitters: Uncertain significance (2). Last evaluated 2025-02-03.

Conditions:
Inborn genetic diseases. Identifiers: MedGen C0950123, MeSH D030342.
Idiopathic generalized epilepsy. Also called: Generalised epilepsy; EIG. Identifiers: MedGen C0270850, MONDO:0005579, OMIM 600669.

Allele frequency attached by ClinVar (database versions not stated): ExAC 0.00002; 1000 Genomes Project 30x 0.00016; gnomAD 0.00003; TOPMed 0.00001.
gnomAD v4.1: 42 of 1,613,812 alleles (0.0026%); highest among the groups gnomAD compares: East Asian, 0.0045%; no homozygotes.

Submissions (2):

Labcorp Genetics (formerly Invitae), Labcorp
Classification: Uncertain significance for Idiopathic generalized epilepsy. Last evaluated: 2025-02-03. Review status: criteria provided, single submitter. Criteria: Invitae Variant Classification Sherloc (09022015). Collection method: clinical testing. Allele origin: germline.
Comment: This sequence change replaces valine, which is neutral and non-polar, with methionine, which is neutral and non-polar, at codon 14 of the RBFOX1 protein (p.Val14Met). This variant is present in population databases (rs778728291, gnomAD 0.006%). This variant has not been reported in the literature in individuals affected with RBFOX1-related conditions. ClinVar contains an entry for this variant (Variation ID: 2600143). An algorithm developed to predict the effect of missense changes on protein structure and function outputs the following: PolyPhen-2: "Benign". The methionine amino acid residue is found in multiple mammalian species, which suggests that this missense change does not adversely affect protein function. In summary, the available evidence is currently insufficient to determine the role of this variant in disease. Therefore, it has been classified as a Variant of Uncertain Significance.

Ambry Genetics
Classification: Uncertain significance for Inborn genetic diseases. Last evaluated: 2023-07-11. Review status: criteria provided, single submitter. Criteria: Ambry Variant Classification Scheme 2023. Collection method: clinical testing. Allele origin: germline.

NM_145893.3(RBFOX1):c.40G>A (p.Val14Met)

Gene: RBFOX1 (RNA binding fox-1 homolog 1; plus strand). Cytogenetic location: 16p13.3.
Variant type: single nucleotide variant.
Coding change: c.40G>A on transcript NM_145893.3 (MANE Plus Clinical); coding-DNA position 40, G replaced by A.
Protein change: p.Val14Met; replaces valine 14 with methionine.
Molecular consequence: missense variant. On other transcripts: intron variant (30).
Genome position (GRCh38, 1-based): chr16:7,333,041, G>A. VCF-style: chr16-7333041-G-A. GRCh37 (hg19) VCF-style: chr16-7383042-G-A.
Other names: c.40G>A, p.Val14Met (NM_001415896.1, NM_001415904.1, NM_001415906.1 and 3 more transcripts); c.625-185106G>A (NM_001415887.1, NM_001415888.1); c.28-185106G>A (NM_001364800.2, NM_018723.4, NM_001142333.2 and 2 more transcripts); c.157-185106G>A (NM_001415895.1, NM_001415891.1, NM_001415907.1 and 5 more transcripts); c.136-185106G>A (NM_001415889.1, NM_001415898.1, NM_001415894.1 and 5 more transcripts); c.102+28556G>A (NM_001415890.1, NM_001415901.1, NM_001415903.1 and 4 more transcripts); short protein forms V14M.
Identifiers: ClinVar variation 2600143 (VCV002600143.4), dbSNP rs778728291, ClinGen allele CA7891228.